The following is an entry in ClinVar:

NM_152743.4(BRAT1):c.1130C>A (p.Pro377Gln)

Gene: BRAT1 (BRCA1 associated ATM activator 1; minus strand). Cytogenetic location: 7p22.3.
Variant type: single nucleotide variant.
Coding change: c.1130C>A on transcript NM_152743.4 (MANE Select); coding-DNA position 1130, C replaced by A.
Protein change: p.Pro377Gln; replaces proline 377 with glutamine.
Molecular consequence: missense variant. On other transcripts: non-coding transcript variant (1).
Genome position (GRCh38, 1-based): chr7:2,541,722, G>T on the plus strand (C>A on the coding strand, the complement: BRAT1 is on the minus strand). VCF-style: chr7-2541722-G-T. GRCh37 (hg19) VCF-style: chr7-2581356-G-T.
Other names: p.Pro377Gln; c.1130C>A, p.Pro377Gln (NM_001350626.2); c.605C>A, p.Pro202Gln (NM_001350627.2); short protein forms P202Q, P377Q.
Identifiers: ClinVar variation 651727 (VCV000651727.10), dbSNP rs746357232, ClinGen allele CA4127928.

ClinVar aggregate classification (germline): Uncertain significance. Review status: criteria provided, multiple submitters, no conflicts (2 of 4 stars). 4 submissions from 4 submitters: Uncertain significance (4). Last evaluated 2026-05-07.

Conditions:
Neonatal-onset encephalopathy with rigidity and seizures. Also called: Lethal neonatal spasticity-epileptic encephalopathy syndrome. Identifiers: Orphanet 435845, MedGen C3281029, MONDO:0013784, OMIM 614498.
Neurodevelopmental disorder with cerebellar atrophy and with or without seizures. Identifiers: MedGen C4748032, MONDO:0020841, OMIM 618056.

Allele frequency attached by ClinVar (database versions not stated): TOPMed 0.00002.
gnomAD v4.1: 80 of 1,607,060 alleles (0.005%); highest among the groups gnomAD compares: Non-Finnish European, 0.0065%; no homozygotes.

Submissions (4):

Women's Health and Genetics/Laboratory Corporation of America, LabCorp
Classification: Uncertain significance. Last evaluated: 2026-05-07. Review status: criteria provided, single submitter. Criteria: LabCorp Variant Classification Summary - May 2015. Collection method: clinical testing. Allele origin: germline.
Comment: Variant summary: BRAT1 c.1130C>A (p.Pro377Gln) results in a non-conservative amino acid change in the encoded protein sequence. Algorithms developed to predict the effect of missense changes on protein structure and function are either unavailable or do not agree on the potential impact of this missense change. The variant allele was found at a frequency of 8.6e-06 in 233144 control chromosomes. The available data on variant occurrences in the general population are insufficient to allow any conclusion about variant significance. To our knowledge, no occurrence of c.1130C>A in individuals affected with BRAT1-related conditions and no experimental evidence demonstrating its impact on protein function have been reported. ClinVar contains an entry for this variant (Variation ID: 651727). Based on the evidence outlined above, the variant was classified as uncertain significance.

Labcorp Genetics (formerly Invitae), Labcorp
Classification: Uncertain significance for Neonatal-onset encephalopathy with rigidity and seizures. Last evaluated: 2025-07-02. Review status: criteria provided, single submitter. Criteria: Invitae Variant Classification Sherloc (09022015). Collection method: clinical testing. Allele origin: germline.
Comment: This sequence change replaces proline, which is neutral and non-polar, with glutamine, which is neutral and polar, at codon 377 of the BRAT1 protein (p.Pro377Gln). This variant is present in population databases (rs746357232, gnomAD 0.003%). This variant has not been reported in the literature in individuals affected with BRAT1-related conditions. ClinVar contains an entry for this variant (Variation ID: 651727). Invitae Evidence Modeling of protein sequence and biophysical properties (such as structural, functional, and spatial information, amino acid conservation, physicochemical variation, residue mobility, and thermodynamic stability) indicates that this missense variant is not expected to disrupt BRAT1 protein function with a negative predictive value of 95%. In summary, the available evidence is currently insufficient to determine the role of this variant in disease. Therefore, it has been classified as a Variant of Uncertain Significance.

Foundation for Research in Genetics and Endocrinology, FRIGE's Institute of Human Genetics
Classification: Uncertain significance for Neurodevelopmental disorder with cerebellar atrophy and with or without seizures. Last evaluated: 2024-06-10. Review status: criteria provided, single submitter. Criteria: ACMG Guidelines, 2015. Collection method: clinical testing. Allele origin: germline. Inheritance: Autosomal recessive inheritance. Affected: yes. Observed: 1 compound heterozygote.
Comment: A likely compound heterozygous missense variant in exon 8 of the BRAT1 gene that results in the amino acid substitution of Glutamine for Proline at codon 377 was detected. The observed variant c.1130C>A (p.Pro377Gln) has not been reported in the 1000 genomes and has a minor allele frequency of 0.0013% in the gnomAD databases. The reference codon is conserved across species. In summary, the variant meets our criteria to be classified as a variant of uncertain significance.

Neuberg Centre For Genomic Medicine, NCGM
Classification: Uncertain significance for Neurodevelopmental disorder with cerebellar atrophy and with or without seizures. Last evaluated: 2023-06-02. Review status: criteria provided, single submitter. Criteria: ACMG Guidelines, 2015. Collection method: clinical testing. Allele origin: germline. Inheritance: Autosomal recessive inheritance. Affected: yes.
Comment: The observed missense variant c.1130C>A(p.Pro377Gln) in the BRAT1 gene has not been reported previously as a pathogenic variant nor as a benign variant, to our knowledge. This variant is reported with the allele frequency 0.001% in the gnomAD Exomes. This variant has been reported to the ClinVar database as Uncertain Significance by multiple submitters. However, no details are available for independent assessment. The amino acid Pro at position 377 is changed to a Gln changing protein sequence and it might alter its composition and physico-chemical properties. Multiple lines of computational evidence (Polyphen - Benign, SIFT - Tolerated and MutationTaster - Polymorphism) predict no damaging effect on protein structure and function for this variant. The residue is conserved by GERP++ and PhyloP across 100 vertebrates. For these reasons, this variant has been classified as Uncertain Significance.